The following is an entry in ClinVar:

NM_001305581.2(LRMDA):c.620dup (p.Tyr208fs)

Gene: LRMDA (leucine rich melanocyte differentiation associated; plus strand). Cytogenetic location: 10q22.3.
Variant type: Duplication.
Coding change: c.620dup on transcript NM_001305581.2 (MANE Select); coding-DNA position 620, one base duplicated (G; older notation c.620dupG).
Protein change: p.Tyr208fs; shifts the reading frame from tyrosine 208.
Molecular consequence: frameshift variant. On other transcripts: non-coding transcript variant (1).
Genome position (GRCh38, 1-based): chr10:76,557,227, G duplicated. VCF-style (leftmost placement, unchanged base first): chr10-76557226-C-CG. GRCh37 (hg19) VCF-style: chr10-78316984-C-CG.
Other names: c.536dup, p.Tyr180fs (NM_032024.5); short protein forms Y208fs, Y180fs.
Identifiers: ClinVar variation 2175083 (VCV002175083.4), dbSNP rs1564576117, ClinGen allele CA594596600.

ClinVar aggregate classification (germline): Pathogenic (1 of 4 stars; one submission).

Allele frequency attached by ClinVar (database versions not stated): gnomAD exomes below 0.00001.

Submission:

Labcorp Genetics (formerly Invitae), Labcorp
Classification: Pathogenic. Last evaluated: 2024-10-15. Review status: criteria provided, single submitter. Criteria: Invitae Variant Classification Sherloc (09022015). Collection method: clinical testing. Allele origin: germline.
Comment: This sequence change creates a premature translational stop signal (p.Tyr180Leufs*17) in the C10orf11 gene. While this is not anticipated to result in nonsense mediated decay, it is expected to disrupt the last 19 amino acid(s) of the C10orf11 protein. This variant is present in population databases (no rsID available, gnomAD 0.0009%). This variant has not been reported in the literature in individuals affected with C10orf11-related conditions. ClinVar contains an entry for this variant (Variation ID: 2175083). This variant disrupts a region of the C10orf11 protein in which other variant(s) (p.Arg194*) have been determined to be pathogenic (PMID: 23395477). This suggests that this is a clinically significant region of the protein, and that variants that disrupt it are likely to be disease-causing. For these reasons, this variant has been classified as Pathogenic.

Literature cited by the submitters: PubMed 23395477.